The following is an entry in ClinVar:

ClinVar aggregate classification (germline): Uncertain significance (1 of 4 stars; one submission).

gnomAD v4.1: 48 of 1,613,830 alleles (0.003%); highest among the groups gnomAD compares: Non-Finnish European, 0.004%; no homozygotes.

Submission:

Labcorp Genetics (formerly Invitae), Labcorp
Classification: Uncertain significance. Last evaluated: 2024-02-14. Review status: criteria provided, single submitter. Criteria: Invitae Variant Classification Sherloc (09022015). Collection method: clinical testing. Allele origin: germline.
Comment: This sequence change replaces aspartic acid, which is acidic and polar, with tyrosine, which is neutral and polar, at codon 261 of the INSR protein (p.Asp261Tyr). This variant is present in population databases (rs368445171, gnomAD 0.005%). This variant has not been reported in the literature in individuals affected with INSR-related conditions. Advanced modeling of protein sequence and biophysical properties (such as structural, functional, and spatial information, amino acid conservation, physicochemical variation, residue mobility, and thermodynamic stability) performed at Invitae indicates that this missense variant is not expected to disrupt INSR protein function with a negative predictive value of 80%. In summary, the available evidence is currently insufficient to determine the role of this variant in disease. Therefore, it has been classified as a Variant of Uncertain Significance.

NM_000208.4(INSR):c.781G>T (p.Asp261Tyr)

Gene: INSR (insulin receptor; minus strand). Cytogenetic location: 19p13.2.
Variant type: single nucleotide variant.
Coding change: c.781G>T on transcript NM_000208.4 (MANE Select); coding-DNA position 781, G replaced by T.
Protein change: p.Asp261Tyr; replaces aspartic acid 261 with tyrosine.
Molecular consequence: missense variant.
Genome position (GRCh38, 1-based): chr19:7,184,509, C>A on the plus strand (G>T on the coding strand, the complement: INSR is on the minus strand). VCF-style: chr19-7184509-C-A. GRCh37 (hg19) VCF-style: chr19-7184520-C-A.
Other names: c.781G>T, p.Asp261Tyr (NM_001079817.3); short protein forms D261Y.
Identifiers: ClinVar variation 3603526 (VCV003603526.2).